The following is an entry in ClinVar:

ClinVar aggregate classification (germline): Pathogenic. Review status: criteria provided, multiple submitters, no conflicts (2 of 4 stars). 2 submissions from 2 submitters: Pathogenic (2). Last evaluated 2020-12-22.

Conditions:
Familial cancer of breast. Also called: BREAST CANCER, FAMILIAL; Hereditary breast cancer; hereditary breast carcinoma. Identifiers: Orphanet 227535, MedGen C0346153, MONDO:0016419, OMIM 114480. Disease mechanism: loss of function.
Hereditary cancer-predisposing syndrome. Also called: Tumor predisposition; Hereditary Cancer Syndrome; Hereditary neoplastic syndrome; Neoplastic Syndromes, Hereditary. Identifiers: Orphanet 140162, MedGen C0027672, MeSH D009386, MONDO:0015356.

Submissions (2):

Labcorp Genetics (formerly Invitae), Labcorp
Classification: Pathogenic for Familial cancer of breast. Last evaluated: 2020-12-22. Review status: criteria provided, single submitter. Criteria: Invitae Variant Classification Sherloc (09022015). Collection method: clinical testing. Allele origin: germline.
Comment: For these reasons, this variant has been classified as Pathogenic. This variant has not been reported in the literature in individuals with PALB2-related conditions. This variant is not present in population databases (ExAC no frequency). This sequence change creates a premature translational stop signal (p.Gln479*) in the PALB2 gene. It is expected to result in an absent or disrupted protein product. Loss-of-function variants in PALB2 are known to be pathogenic (PMID: 17200668, 24136930, 25099575).

Ambry Genetics
Classification: Pathogenic for Hereditary cancer-predisposing syndrome. Last evaluated: 2019-09-23. Review status: criteria provided, single submitter. Criteria: Ambry Variant Classification Scheme 2023. Collection method: clinical testing. Allele origin: germline.
Comment: The p.Q479* pathogenic mutation (also known as c.1435C>T), located in coding exon 4 of the PALB2 gene, results from a C to T substitution at nucleotide position 1435. This changes the amino acid from a glutamine to a stop codon within coding exon 4. This alteration is expected to result in loss of function by premature protein truncation or nonsense-mediated mRNA decay. As such, this alteration is interpreted as a disease-causing mutation.

Literature cited by the submitters: PubMed 17200668 (cited by Labcorp Genetics (formerly Invitae), Labcorp); PubMed 24136930 (cited by Labcorp Genetics (formerly Invitae), Labcorp); PubMed 25099575 (cited by Labcorp Genetics (formerly Invitae), Labcorp).

NM_024675.4(PALB2):c.1435C>T (p.Gln479Ter)

Gene: PALB2 (partner and localizer of BRCA2; minus strand). Cytogenetic location: 16p12.2.
Variant type: single nucleotide variant.
Coding change: c.1435C>T on transcript NM_024675.4 (MANE Select); coding-DNA position 1435, C replaced by T.
Protein change: p.Gln479Ter; replaces glutamine 479 with a stop codon.
Molecular consequence: nonsense.
Genome position (GRCh38, 1-based): chr16:23,635,111, G>A on the plus strand (C>T on the coding strand, the complement: PALB2 is on the minus strand). VCF-style: chr16-23635111-G-A. GRCh37 (hg19) VCF-style: chr16-23646432-G-A.
Other names: short protein forms Q479*.
Identifiers: ClinVar variation 410147 (VCV000410147.12), dbSNP rs1060502761, ClinGen allele CA16614893.